The following is an entry in ClinVar:

NM_000535.7(PMS2):c.2175-51G>C

Gene: PMS2 (PMS1 homolog 2, mismatch repair system component; minus strand). Cytogenetic location: 7p22.1.
Variant type: single nucleotide variant.
Coding change: c.2175-51G>C on transcript NM_000535.7 (MANE Select); 51 bases into the intron before coding-DNA position 2175, G replaced by C.
Molecular consequence: intron variant.
Genome position (GRCh38, 1-based): chr7:5,978,747, C>G on the plus strand (G>C on the coding strand, the complement: PMS2 is on the minus strand). VCF-style: chr7-5978747-C-G. GRCh37 (hg19) VCF-style: chr7-6018378-C-G.
Other names: c.1857-51G>C (NM_001322008.2, NM_001406883.1, NM_001322007.2 and 1 more transcripts); c.1866-51G>C (NM_001406881.1, NM_001406879.1, NM_001322015.2 and 5 more transcripts); c.1770-51G>C (NM_001406895.1, NM_001322004.2, NM_001406889.1 and 14 more transcripts); c.1404-51G>C (NM_001406911.1); c.1614-51G>C (NM_001322010.2, NM_001406906.1, NM_001406907.1); c.1701-51G>C (NM_001406902.1, NM_001406901.1); c.1662-51G>C (NM_001406904.1, NM_001406905.1); c.1602-51G>C (NM_001322013.2, NM_001406908.1, NM_001406909.1); and 16 more.
Identifiers: ClinVar variation 4536119 (VCV004536119.1).
Genomic context (GRCh38, chr7:5,978,747, plus strand): 5'-AGTCTGAGGTCTGAAAAACACAAAAATGATTCAAACCATATCCTGAAGTCAAACATTTAG[C>G]TTTACAGCAGAAATGAAATGAAAACAACAATACTGTATTTTGAATTCATGTCAAAATAAC-3'

ClinVar aggregate classification (germline): Likely benign (1 of 4 stars; one submission).

Submission:

Women's Health and Genetics/Laboratory Corporation of America, LabCorp
Classification: Likely benign. Last evaluated: 2025-09-19. Review status: criteria provided, single submitter. Criteria: LabCorp Variant Classification Summary - May 2015. Collection method: clinical testing. Allele origin: germline.
Comment: Variant summary: PMS2 c.2175-51G>C is located at a position not widely known to affect splicing. Consensus agreement among computation tools predict no significant impact on normal splicing. However, these predictions have yet to be confirmed by functional studies. The variant was absent in 30822 control chromosomes. The available data on variant occurrences in the general population are insufficient to allow any conclusion about variant significance. To our knowledge, no occurrence of c.2175-51G>C in individuals affected with PMS2-related conditions and no experimental evidence demonstrating its impact on protein function have been reported. No submitters have cited clinical-significance assessments for this variant to ClinVar. Based on the evidence outlined above, the variant was classified as likely benign.